The following is an entry in ClinVar:

NC_012920.1(MT-CO3):m.9327A>G

Gene: MT-CO3 (mitochondrially encoded cytochrome c oxidase III; plus strand).
Variant type: single nucleotide variant.
Genome position: chrM-9327-A-G.
Identifiers: ClinVar variation 693150 (VCV000693150.1), dbSNP rs1603222247, ClinGen allele CA414802702.
Genomic context (GRCh38, chrMT:9,327, plus strand): 5'-GCCCTCTCAGCCCTCCTAATGACCTCCGGCCTAGCCATGTGATTTCACTTCCACTCCATA[A>G]CGCTCCTCATACTAGGCCTACTAACCAACACACTAACCATATACCAATGATGGCGCGATG-3'

ClinVar aggregate classification (germline): Likely benign (1 of 4 stars; one submission).

Conditions:
Leigh syndrome (NULS). Also called: Leigh's necrotizing encephalopathy; Leigh's disease; Leigh Syndrome (mtDNA deletion); Leigh Disease; Subacute necrotizing encephalopathy; Necrotizing encephalopathy infantile subacute of Leigh. Identifiers: Orphanet 506, MedGen C2931891, MONDO:0009723, OMIM 256000.

Submission:

Wong Mito Lab, Molecular and Human Genetics, Baylor College of Medicine
Classification: Likely benign for Leigh syndrome. Last evaluated: 2019-10-17. Review status: criteria provided, single submitter. Criteria: Modified ACMG Guidelines (Unpublished). Collection method: clinical testing. Allele origin: germline.
Comment: The NC_012920.1:m.9327A>G (YP_003024032.1:p.Thr41Ala) variant in MTCO3 gene is interpretated to be a Likely Benign variant based on the modified ACMG guidelines (unpublished). This variant meets the following evidence codes: BS1, BP4